The following is an entry in ClinVar:

NC_000014.8:g.(?_105258915)_(105268803_?)dup

Genes: AKT1 (AKT serine/threonine kinase 1; minus strand), ZBTB42 (zinc finger and BTB domain containing 42; plus strand). Cytogenetic location: 14q32.33.
Variant type: Duplication.
Identifiers: ClinVar variation 2425306 (VCV002425306.4).

ClinVar aggregate classification (germline): Uncertain significance (1 of 4 stars; one submission).

Conditions:
Cowden syndrome 6 (CWS6). Identifiers: Orphanet 201, MedGen C3554519, MONDO:0014048, OMIM 615109.

Submission:

Labcorp Genetics (formerly Invitae), Labcorp
Classification: Uncertain significance for Cowden syndrome 6. Last evaluated: 2022-04-05. Review status: criteria provided, single submitter. Criteria: Invitae Variant Classification Sherloc (09022015). Collection method: clinical testing. Allele origin: germline.
Comment: In summary, the available evidence is currently insufficient to determine the role of this variant in disease. Therefore, it has been classified as a Variant of Uncertain Significance. Experimental studies and prediction algorithms are not available or were not evaluated, and the functional significance of this variant is currently unknown. This variant has not been reported in the literature in individuals affected with AKT1-related conditions. This variant results in a copy number gain of the genomic region encompassing exon(s) 1-2 of the AKT1 gene. This region includes the initiator codon of the gene. This copy number gain extends beyond the assayed region for this gene and therefore may encompass additional genes. As the precise location of this event is unknown, it may be in tandem or it may be located elsewhere in the genome.